The following is an entry in ClinVar:

NM_006231.4(POLE):c.4352T>C (p.Leu1451Pro)

Gene: POLE (DNA polymerase epsilon, catalytic subunit; minus strand). Cytogenetic location: 12q24.33.
Variant type: single nucleotide variant.
Coding change: c.4352T>C on transcript NM_006231.4 (MANE Select); coding-DNA position 4352, T replaced by C.
Protein change: p.Leu1451Pro; replaces leucine 1451 with proline.
Molecular consequence: missense variant.
Genome position (GRCh38, 1-based): chr12:132,643,499, A>G on the plus strand (T>C on the coding strand, the complement: POLE is on the minus strand). VCF-style: chr12-132643499-A-G. GRCh37 (hg19) VCF-style: chr12-133220085-A-G.
Other names: short protein forms L1451P.
Identifiers: ClinVar variation 5027136 (VCV005027136.1).

ClinVar aggregate classification (germline): Uncertain significance (1 of 4 stars; one submission).

Conditions:
Hereditary cancer-predisposing syndrome. Also called: Neoplastic Syndromes, Hereditary; Tumor predisposition; Hereditary neoplastic syndrome; Hereditary Cancer Syndrome. Identifiers: Orphanet 140162, MedGen C0027672, MeSH D009386, MONDO:0015356.

Submission:

Ambry Genetics
Classification: Uncertain significance for Hereditary cancer-predisposing syndrome. Last evaluated: 2026-09-06. Review status: criteria provided, single submitter. Criteria: Ambry Variant Classification Scheme 2023. Collection method: clinical testing. Allele origin: germline.
Comment: The p.L1451P variant (also known as c.4352T>C), located in coding exon 34 of the POLE gene, results from a T to C substitution at nucleotide position 4352. The leucine at codon 1451 is replaced by proline, an amino acid with similar properties. This amino acid position is conserved. In addition, this alteration is predicted to be tolerated by in silico analysis. Based on the available evidence, the clinical significance of this variant remains unclear.